The following is an entry in ClinVar:

ClinVar aggregate classification (germline): Pathogenic/Likely pathogenic. Review status: criteria provided, multiple submitters, no conflicts (2 of 4 stars). 12 submissions from 11 submitters: Pathogenic (6); Likely pathogenic (6). Last evaluated 2026-03-04.

Conditions:
Retinal dystrophy. Also called: Inherited retinal dystrophy. Identifiers: Orphanet 71862, MedGen C0854723, MeSH D058499, MONDO:0019118, HP:0000556.
USH2A-related disorder. Also called: USH2A-related condition; USH2A-related disorders. Identifiers: MedGen CN239332.
Usher syndrome type 2A. Also called: RETINAL DISEASE IN USHER SYNDROME TYPE IIA, MODIFIER OF; USHER SYNDROME, TYPE IIA. Identifiers: Orphanet 231178, Orphanet 886, MedGen C1848634, MONDO:0010169, OMIM 276901.
Retinitis pigmentosa 39 (RP39). Identifiers: Orphanet 791, MedGen C3151138, MONDO:0013436, OMIM 613809.

Allele frequency attached by ClinVar (database versions not stated): gnomAD exomes below 0.00001 and 0.00001; ExAC 0.00001; gnomAD 0.00002 and 0.00001; TOPMed 0.00002.
gnomAD v4.1: 17 of 1,613,492 alleles (0.0011%); highest among the groups gnomAD compares: East Asian, 0.0089%; no homozygotes.

Submissions (12):

Dasa
Classification: Likely pathogenic. Last evaluated: 2026-03-04. Review status: criteria provided, single submitter. Criteria: DASA Assertion Criteria. Collection method: clinical testing. Allele origin: germline.
Comment: NM_206933.4(USH2A):c.5329C>T (p.Arg1777Trp) is a missense variant that results in the substitution of arginine with tryptophan. This variant has been recurrently observed in individuals with USH2A-related disorders (PMID: 26969326; PMID: 22135276; PMID: 39596236; PMID: 21593743). Also, this variant is rare in population databases. Based on the currently available evidence, this variant is classified as likely pathogenic.

GeneDx
Classification: Likely pathogenic. Last evaluated: 2026-03-03. Review status: criteria provided, single submitter. Criteria: GeneDx Variant Classification Process June 2021. Collection method: clinical testing. Allele origin: germline.
Comment: Not observed at significant frequency in large population cohorts (gnomAD); In silico analysis suggests that this missense variant does not alter protein structure/function; This variant is associated with the following publications: (PMID: 26969326, 30029497, 32036094, 32188678, 33124170, 32675063, 33608557, 31964843, 36460718, 36110214, 37217489, 33090715, 34948090, 34599366, 38790200, 24498627, 26629787, 38224868, 39596236, 35140454, 25252889, 22135276, 38879497, 21593743, 38219857, 39806488, 40403698)

Natera, Inc.
Classification: Pathogenic for Usher syndrome type 2A. Last evaluated: 2025-12-17. Review status: criteria provided, single submitter. Criteria: Natera Variant Classification Schema (03/2026). Collection method: clinical testing. Allele origin: germline.
Comment: The c.5329C>T variant in USH2A is a missense variant predicted to cause substitution of arginine to tryptophan at amino acid 1777. This variant is rare in the general population with a frequency below the threshold expected for the associated phenotype(s). This variant has been observed in one or more individuals affected with the associated recessive disease, as either homozygous or compound heterozygous with a second variant (PMID: 38224868, 26969326, 25252889, 21593743, 27460420). Additionally, this variant has been observed to segregate in affected family members (PMID: 25252889). Computational prediction algorithms indicate this variant is likely to affect gene or protein function. Given the available evidence, this variant is classified as Pathogenic.

Blueprint Genetics
Classification: Pathogenic for USH2A-related disorders. Last evaluated: 2024-11-18. Review status: criteria provided, single submitter. Criteria: ACMG Guidelines, 2015. Collection method: clinical testing. Allele origin: germline. Affected: yes. Observed: 2 variant alleles.

Baylor Genetics
Classification: Pathogenic for Retinitis pigmentosa 39. Last evaluated: 2024-03-20. Review status: criteria provided, single submitter. Criteria: ACMG Guidelines, 2015. Collection method: clinical testing. Allele origin: unknown.

Labcorp Genetics (formerly Invitae), Labcorp
Classification: Pathogenic. Last evaluated: 2024-03-12. Review status: criteria provided, single submitter. Criteria: Invitae Variant Classification Sherloc (09022015). Collection method: clinical testing. Allele origin: germline.
Comment: This sequence change replaces arginine, which is basic and polar, with tryptophan, which is neutral and slightly polar, at codon 1777 of the USH2A protein (p.Arg1777Trp). This variant is present in population databases (rs770329105, gnomAD 0.003%). This missense change has been observed in individual(s) with Usher syndrome or isolated retinitis pigmentosa (PMID: 21593743, 22135276, 26629787, 26969326). In at least one individual the data is consistent with being in trans (on the opposite chromosome) from a pathogenic variant. ClinVar contains an entry for this variant (Variation ID: 662197). Advanced modeling of protein sequence and biophysical properties (such as structural, functional, and spatial information, amino acid conservation, physicochemical variation, residue mobility, and thermodynamic stability) performed at Invitae indicates that this missense variant is not expected to disrupt USH2A protein function with a negative predictive value of 95%. For these reasons, this variant has been classified as Pathogenic.

Fulgent Genetics
Classification: Likely pathogenic for Usher syndrome type 2A; Retinitis pigmentosa 39. Last evaluated: 2024-02-20. Review status: criteria provided, single submitter. Criteria: ACMG Guidelines, 2015. Collection method: clinical testing. Allele origin: germline.

Genome-Nilou Lab
Classification: Likely pathogenic for Retinitis pigmentosa 39. Last evaluated: 2023-11-04. Review status: criteria provided, single submitter. Criteria: ACMG Guidelines, 2015. Collection method: clinical testing. Allele origin: germline. Affected: no.

Genome-Nilou Lab
Classification: Likely pathogenic for Usher syndrome type 2A. Last evaluated: 2023-11-04. Review status: criteria provided, single submitter. Criteria: ACMG Guidelines, 2015. Collection method: clinical testing. Allele origin: germline. Affected: no.

3billion
Classification: Likely pathogenic for Retinitis pigmentosa 39. Last evaluated: 2023-10-13. Review status: criteria provided, single submitter. Criteria: ACMG Guidelines, 2015. Collection method: clinical testing. Allele origin: germline. Affected: yes.
Comment: The variant is observed at an extremely low frequency in the gnomAD v2.1.1 dataset (total allele frequency: 0.000%). Predicted Consequence/Location: The majority of the known disease-causing variants of this gene are predicted to result in premature termination of the protein. Premature termination of the protein is a common disease-causing mechanism for this gene. In silico tool predictions suggest a damaging effect of the variant on gene or gene product [3Cnet: 0.80 (>=0.6, sensitivity 0.72 and precision 0.9)]. The same nucleotide change resulting in the same amino acid change has been previously reported as pathogenic/likely pathogenic with strong evidence (ClinVar ID: VCV000662197 /PMID: 21593743). A different missense change at the same codon (p.Arg1777Gln) has been reported to be associated with USH2A related disorder (PMID: 33576794). Therefore, this variant is classified as Likely pathogenic according to the recommendation of ACMG/AMP guideline.

Dept Of Ophthalmology, Nagoya University
Classification: Pathogenic for Retinal dystrophy. Last evaluated: 2023-10-01. Review status: criteria provided, single submitter. Criteria: Submitter's publication. Collection method: research. Allele origin: germline. Affected: yes.

Clinical Genetics Service, Universitary Hospital 12 de Octubre
Classification: Pathogenic for Usher syndrome type 2A. Review status: criteria provided, single submitter. Criteria: ACMG Guidelines, 2015. Collection method: clinical testing. Allele origin: paternal. Affected: yes.

Literature cited by the submitters: PubMed 26969326 (cited by 3 submitters); PubMed 22135276 (cited by Dasa and Labcorp Genetics (formerly Invitae), Labcorp); PubMed 39596236 (cited by Dasa); PubMed 21593743 (cited by 4 submitters); PubMed 38224868 (cited by Natera, Inc.); PubMed 25252889 (cited by Natera, Inc.); PubMed 27460420 (cited by Natera, Inc.); PubMed 26629787 (cited by Labcorp Genetics (formerly Invitae), Labcorp); PubMed 33576794 (cited by 3billion).

NM_206933.4(USH2A):c.5329C>T (p.Arg1777Trp)

Genes: USH2A (usherin; minus strand), USH2A-AS2 (USH2A antisense RNA 2; plus strand). Cytogenetic location: 1q41.
Variant type: single nucleotide variant.
Coding change: c.5329C>T on transcript NM_206933.4 (MANE Select); coding-DNA position 5329, C replaced by T.
Protein change: p.Arg1777Trp; replaces arginine 1777 with tryptophan.
Molecular consequence: missense variant.
Genome position (GRCh38, 1-based): chr1:216,078,332, G>A on the plus strand (C>T on the coding strand, the complement: USH2A is on the minus strand). VCF-style: chr1-216078332-G-A. GRCh37 (hg19) VCF-style: chr1-216251674-G-A.
Other names: short protein forms R1777W.
Identifiers: ClinVar variation 662197 (VCV000662197.21), dbSNP rs770329105, ClinGen allele CA1395468.